The following is an entry in ClinVar:

NM_031471.6(FERMT3):c.1506C>T (p.Leu502=)

Gene: FERMT3 (FERM domain containing kindlin 3; plus strand). Cytogenetic location: 11q13.1.
Variant type: single nucleotide variant.
Coding change: c.1506C>T on transcript NM_031471.6 (MANE Select); coding-DNA position 1506, C replaced by T.
Protein change: p.Leu502=; no amino-acid change (leucine 502 retained).
Molecular consequence: synonymous variant.
Genome position (GRCh38, 1-based): chr11:64,220,630, C>T. VCF-style: chr11-64220630-C-T. GRCh37 (hg19) VCF-style: chr11-63988102-C-T.
Other names: p.Leu502=; c.1506C>T, p.Leu502= (NM_001382361.1, NM_001382448.1); c.1518C>T, p.Leu506= (NM_001382362.1, NM_178443.3); c.966C>T, p.Leu322= (NM_001382363.1); c.978C>T, p.Leu326= (NM_001382364.1); c.1506C>T (NM_031471.5).
Identifiers: ClinVar variation 402864 (VCV000402864.19), dbSNP rs3802933, ClinGen allele CA6069183.

ClinVar aggregate classification (germline): Benign. Review status: criteria provided, multiple submitters, no conflicts (2 of 4 stars). 6 submissions from 6 submitters: Benign (6). Last evaluated 2026-02-04.

Conditions:
Leukocyte adhesion deficiency 3. Also called: Leukocyte adhesion deficiency, type III; INTEGRIN ACTIVATION DEFICIENCY DISEASE; LEUKOCYTE ADHESION DEFICIENCY 1 VARIANT. Identifiers: Orphanet 2968, Orphanet 99844, MedGen C2748536, MONDO:0013016, OMIM 612840.

Allele frequency attached by ClinVar (database versions not stated): ESP Exome Variant Server 0.15850; 1000 Genomes Project 0.16294; 1000 Genomes Project 30x 0.16552; gnomAD exomes 0.17105 and 0.17898; gnomAD 0.17359 and 0.17484; TOPMed 0.18171; ExAC 0.18989.
gnomAD v4.1: 276,547 of 1,610,504 alleles (17%); highest among the groups gnomAD compares: Admixed American, 30%; 24,901 homozygotes.

Submissions (6):

Labcorp Genetics (formerly Invitae), Labcorp
Classification: Benign for Leukocyte adhesion deficiency 3. Last evaluated: 2026-02-04. Review status: criteria provided, single submitter. Criteria: Invitae Variant Classification Sherloc (09022015). Collection method: clinical testing. Allele origin: germline.

Women's Health and Genetics/Laboratory Corporation of America, LabCorp
Classification: Benign. Last evaluated: 2026-01-21. Review status: criteria provided, single submitter. Criteria: LabCorp Variant Classification Summary - May 2015. Collection method: clinical testing. Allele origin: germline.

Mayo Clinic Laboratories, Mayo Clinic
Classification: Benign. Last evaluated: 2022-09-29. Review status: criteria provided, single submitter. Criteria: ACMG Guidelines, 2015. Collection method: clinical testing. Allele origin: germline. Observed: 203 variant alleles.

GeneDx
Classification: Benign. Last evaluated: 2021-06-09. Review status: criteria provided, single submitter. Criteria: GeneDx Variant Classification Process June 2021. Collection method: clinical testing. Allele origin: germline. Affected: yes.

Laboratory for Molecular Medicine, Mass General Brigham Personalized Medicine
Classification: Benign. Last evaluated: 2016-03-29. Review status: criteria provided, single submitter. Criteria: LMM Criteria. Collection method: clinical testing. Allele origin: germline.
Comment: Variant identified in a genome or exome case(s) and assessed due to predicted null impact of the variant or pathogenic assertions in the literature or databases. Disclaimer: This variant has not undergone full assessment. The following are preliminary notes: Frequency

Breakthrough Genomics
Classification: Benign. Review status: criteria provided, single submitter. Criteria: ACMG Guidelines, 2015. Collection method: not provided. Allele origin: germline. Inheritance: Autosomal recessive inheritance. Affected: yes.